The following is an entry in ClinVar:

NM_000258.3(MYL3):c.159G>A (p.Glu53=)

Gene: MYL3 (myosin light chain 3; minus strand). Cytogenetic location: 3p21.31.
Variant type: single nucleotide variant.
Coding change: c.159G>A on transcript NM_000258.3 (MANE Select); coding-DNA position 159, G replaced by A.
Protein change: p.Glu53=; no amino-acid change (glutamic acid 53 retained).
Molecular consequence: synonymous variant. On other transcripts: 5 prime UTR variant (2).
Genome position (GRCh38, 1-based): chr3:46,860,824, C>T on the plus strand (G>A on the coding strand, the complement: MYL3 is on the minus strand). VCF-style: chr3-46860824-C-T. GRCh37 (hg19) VCF-style: chr3-46902314-C-T.
Other names: c.159G>A, p.Glu53= (NM_001406937.1, NM_001406938.1, NM_001406939.1); c.-16G>A (NM_001406940.1, NM_001406941.1).
Identifiers: ClinVar variation 3387386 (VCV003387386.1).

ClinVar aggregate classification (germline): Likely benign (1 of 4 stars; one submission).

Conditions:
Hypertrophic cardiomyopathy. Also called: HYPERTROPHIC MYOCARDIOPATHY. Identifiers: Orphanet 217569, MedGen C0007194, MeSH D002312, MONDO:0005045, HP:0001639.

Submission:

All of Us Research Program, National Institutes of Health
Classification: Likely benign for Hypertrophic cardiomyopathy. Last evaluated: 2024-07-20. Review status: criteria provided, single submitter. Criteria: ACMG Guidelines, 2015. Collection method: clinical testing. Allele origin: germline. Inheritance: Autosomal dominant inheritance. Observed: 1 variant allele, 1 heterozygote.
Comment: This study involves interpretation of variants in research participants for the purpose of population health screening. Participant phenotype was not available at the time of variant classification. Additional details can be found in publication PMID: 35346344, PMCID: PMC8962531